The following is an entry in ClinVar:

ClinVar aggregate classification (germline): Uncertain significance. Review status: criteria provided, multiple submitters, no conflicts (2 of 4 stars). 3 submissions from 3 submitters: Uncertain significance (3). Last evaluated 2025-11-23.

Conditions:
Cardiovascular phenotype. Identifiers: MedGen CN230736.
Dilated cardiomyopathy 1W (CMD1W). Identifiers: Orphanet 154, MedGen C1969639, MONDO:0012667, OMIM 611407.

Submissions (3):

Labcorp Genetics (formerly Invitae), Labcorp
Classification: Uncertain significance for Dilated cardiomyopathy 1W. Last evaluated: 2025-11-23. Review status: criteria provided, single submitter. Criteria: Invitae Variant Classification Sherloc (09022015). Collection method: clinical testing. Allele origin: germline.
Comment: This sequence change replaces valine, which is neutral and non-polar, with leucine, which is neutral and non-polar, at codon 150 of the VCL protein (p.Val150Leu). This variant is not present in population databases (gnomAD no frequency). This variant has not been reported in the literature in individuals affected with VCL-related conditions. ClinVar contains an entry for this variant (Variation ID: 1740963). An algorithm developed to predict the effect of missense changes on protein structure and function (PolyPhen-2) suggests that this variant is likely to be disruptive. In summary, the available evidence is currently insufficient to determine the role of this variant in disease. Therefore, it has been classified as a Variant of Uncertain Significance.

GeneDx
Classification: Uncertain significance. Last evaluated: 2023-02-16. Review status: criteria provided, single submitter. Criteria: GeneDx Variant Classification Process June 2021. Collection method: clinical testing. Allele origin: germline. Affected: yes.
Comment: Has not been previously published as pathogenic or benign to our knowledge; Not observed at significant frequency in large population cohorts (gnomAD); In silico analysis supports that this missense variant does not alter protein structure/function

Ambry Genetics
Classification: Uncertain significance for Cardiovascular phenotype. Last evaluated: 2018-09-20. Review status: criteria provided, single submitter. Criteria: Ambry Variant Classification Scheme 2023. Collection method: clinical testing. Allele origin: germline.
Comment: The p.V150L variant (also known as c.448G>T), located in coding exon 4 of the VCL gene, results from a G to T substitution at nucleotide position 448. The valine at codon 150 is replaced by leucine, an amino acid with highly similar properties. This amino acid position is highly conserved in available vertebrate species. In addition, the in silico prediction for this alteration is inconclusive. Since supporting evidence is limited at this time, the clinical significance of this alteration remains unclear.

NM_014000.3(VCL):c.448G>T (p.Val150Leu)

Gene: VCL (vinculin; plus strand). Cytogenetic location: 10q22.2.
Variant type: single nucleotide variant.
Coding change: c.448G>T on transcript NM_014000.3 (MANE Select); coding-DNA position 448, G replaced by T.
Protein change: p.Val150Leu; replaces valine 150 with leucine.
Molecular consequence: missense variant.
Genome position (GRCh38, 1-based): chr10:74,071,032, G>T. VCF-style: chr10-74071032-G-T. GRCh37 (hg19) VCF-style: chr10-75830790-G-T.
Other names: c.448G>T, p.Val150Leu (NM_003373.4); short protein forms V150L.
Identifiers: ClinVar variation 1740963 (VCV001740963.6), dbSNP rs2549212305, ClinGen allele CA377266559.